The following is an entry in ClinVar:

NM_021614.4(KCNN2):c.745C>T (p.Pro249Ser)

Gene: KCNN2 (potassium calcium-activated channel subfamily N member 2; plus strand). Cytogenetic location: 5q22.3.
Variant type: single nucleotide variant.
Coding change: c.745C>T on transcript NM_021614.4 (MANE Select); coding-DNA position 745, C replaced by T.
Protein change: p.Pro249Ser; replaces proline 249 with serine.
Molecular consequence: missense variant. On other transcripts: non-coding transcript variant (1).
Genome position (GRCh38, 1-based): chr5:114,362,884, C>T. VCF-style: chr5-114362884-C-T. GRCh37 (hg19) VCF-style: chr5-113698581-C-T.
Other names: c.943C>T, p.Pro315Ser (NM_001372233.1); short protein forms P249S, P315S.
Identifiers: ClinVar variation 5041280 (VCV005041280.1).

ClinVar aggregate classification (germline): Likely benign (1 of 4 stars; one submission).

gnomAD v4.1: 175 of 1,598,296 alleles (0.011%); highest among the groups gnomAD compares: Admixed American, 0.11%; no homozygotes.

Submission:

CeGaT Center for Human Genetics Tuebingen
Classification: Likely benign. Last evaluated: 2026-09-01. Review status: criteria provided, single submitter. Criteria: CeGaT Center For Human Genetics Tuebingen Variant Classification Criteria Version 2. Collection method: clinical testing. Allele origin: germline. Affected: yes. Observed: 1 variant allele.
Comment: KCNN2: PP3, BS1